The following is an entry in ClinVar:

NM_001042492.3(NF1):c.629T>A (p.Leu210Ter)

Gene: NF1 (neurofibromin 1; plus strand). Cytogenetic location: 17q11.2.
Variant type: single nucleotide variant.
Coding change: c.629T>A on transcript NM_001042492.3 (MANE Select); coding-DNA position 629, T replaced by A.
Protein change: p.Leu210Ter; replaces leucine 210 with a stop codon.
Molecular consequence: nonsense.
Genome position (GRCh38, 1-based): chr17:31,181,464, T>A. VCF-style: chr17-31181464-T-A. GRCh37 (hg19) VCF-style: chr17-29508482-T-A.
Other names: c.629T>A, p.Leu210Ter (NM_000267.4, NM_001128147.3); short protein forms L210*.
Identifiers: ClinVar variation 2757994 (VCV002757994.3), dbSNP rs876658570, ClinGen allele CA398989388.

ClinVar aggregate classification (germline): Pathogenic (1 of 4 stars; one submission).

Conditions:
Neurofibromatosis, type 1 (NF1). Also called: VON RECKLINGHAUSEN DISEASE; NEUROFIBROMATOSIS, TYPE I, SOMATIC; Peripheral type neurofibromatosis; Neurofibromatosis, type I. Identifiers: Orphanet 636, MedGen C0027831, MONDO:0018975, OMIM 162200. Disease mechanism: loss of function.

Submission:

Labcorp Genetics (formerly Invitae), Labcorp
Classification: Pathogenic for Neurofibromatosis, type 1. Last evaluated: 2023-09-04. Review status: criteria provided, single submitter. Criteria: Invitae Variant Classification Sherloc (09022015). Collection method: clinical testing. Allele origin: germline.
Comment: For these reasons, this variant has been classified as Pathogenic. This variant has not been reported in the literature in individuals affected with NF1-related conditions. This variant is not present in population databases (gnomAD no frequency). This sequence change creates a premature translational stop signal (p.Leu210*) in the NF1 gene. It is expected to result in an absent or disrupted protein product. Loss-of-function variants in NF1 are known to be pathogenic (PMID: 10712197, 23913538).

Literature cited by the submitters: PubMed 10712197; PubMed 23913538.